The following is an entry in ClinVar:

NM_005228.5(EGFR):c.2626G>C (p.Val876Leu)

Gene: EGFR (epidermal growth factor receptor; plus strand). Cytogenetic location: 7p11.2.
Variant type: single nucleotide variant.
Coding change: c.2626G>C on transcript NM_005228.5 (MANE Select); coding-DNA position 2626, G replaced by C.
Protein change: p.Val876Leu; replaces valine 876 with leucine.
Molecular consequence: missense variant.
Genome position (GRCh38, 1-based): chr7:55,192,766, G>C. VCF-style: chr7-55192766-G-C. GRCh37 (hg19) VCF-style: chr7-55260459-G-C.
Other names: c.2491G>C, p.Val831Leu (NM_001346897.2, NM_001346899.2); c.2626G>C, p.Val876Leu (NM_001346898.2); c.2467G>C, p.Val823Leu (NM_001346900.2); c.1825G>C, p.Val609Leu (NM_001346941.2); short protein forms V876L, V609L, V823L, V831L.
Identifiers: ClinVar variation 4247322 (VCV004247322.1).
Genomic context (GRCh38, chr7:55,192,766, plus strand): 5'-CTTTTTCCAACAGAGGGAAACTAATAGTTGTCTCACTGCCTCATCTCTCACCATCCCAAG[G>C]TGCCTATCAAGTGGATGGCATTGGAATCAATTTTACACAGAATCTATACCCACCAGAGTG-3'
Protein context (NP_005219.2, residues 866-886): EKEYHAEGGK[Val876Leu]PIKWMALESI

ClinVar aggregate classification (germline): Uncertain significance (1 of 4 stars; one submission).

Conditions:
Hereditary cancer-predisposing syndrome. Also called: Hereditary Cancer Syndrome; Hereditary neoplastic syndrome; Neoplastic Syndromes, Hereditary; Tumor predisposition. Identifiers: Orphanet 140162, MedGen C0027672, MeSH D009386, MONDO:0015356.

Submission:

Ambry Genetics
Classification: Uncertain significance for Hereditary cancer-predisposing syndrome. Last evaluated: 2025-08-08. Review status: criteria provided, single submitter. Criteria: Ambry Variant Classification Scheme 2023. Collection method: clinical testing. Allele origin: germline.
Comment: The p.V876L variant (also known as c.2626G>C) is located in coding exon 22 of the EGFR gene. The valine at codon 876 is replaced by leucine, an amino acid with highly similar properties. This change occurs in the first base pair of coding exon 22. This amino acid position is highly conserved in available vertebrate species. In addition, the in silico prediction for this alteration is inconclusive. Based on the available evidence, the clinical significance of this variant remains unclear.